The following is an entry in ClinVar:

ClinVar aggregate classification (germline): Uncertain significance (1 of 4 stars; one submission).

Conditions:
Neuropathy, hereditary sensory and autonomic, type 2A (HSAN2A). Also called: HSAN IIA; WNK1-Related HSAN2 (HSAN2A); ACROOSTEOLYSIS, GIACCAI TYPE; ACROOSTEOLYSIS, NEUROGENIC; MORVAN DISEASE; NEUROPATHY, CONGENITAL SENSORY. Identifiers: Orphanet 970, MedGen C2752089, MONDO:0024309, OMIM 201300.
Pseudohypoaldosteronism type 2C (PHA2C). Also called: Pseudohypoaldosteronism Type IIC. Identifiers: Orphanet 757, Orphanet 88940, MedGen C1840391, MONDO:0013778, OMIM 614492.

Allele frequency attached by ClinVar (database versions not stated): gnomAD exomes below 0.00001.
gnomAD v4.1: 5 of 1,614,036 alleles (0.00031%); highest among the groups gnomAD compares: Non-Finnish European, 0.00042%; no homozygotes.

Submission:

Labcorp Genetics (formerly Invitae), Labcorp
Classification: Uncertain significance for Neuropathy, hereditary sensory and autonomic, type 2A; Pseudohypoaldosteronism type 2C. Last evaluated: 2024-02-29. Review status: criteria provided, single submitter. Criteria: Invitae Variant Classification Sherloc (09022015). Collection method: clinical testing. Allele origin: germline.
Comment: This sequence change replaces asparagine, which is neutral and polar, with isoleucine, which is neutral and non-polar, at codon 1109 of the WNK1 protein (p.Asn1109Ile). This variant is present in population databases (no rsID available, gnomAD 0.0009%). This variant has not been reported in the literature in individuals affected with WNK1-related conditions. Advanced modeling of protein sequence and biophysical properties (such as structural, functional, and spatial information, amino acid conservation, physicochemical variation, residue mobility, and thermodynamic stability) performed at Invitae indicates that this missense variant is not expected to disrupt WNK1 protein function with a negative predictive value of 95%. In summary, the available evidence is currently insufficient to determine the role of this variant in disease. Therefore, it has been classified as a Variant of Uncertain Significance.

NM_213655.5(WNK1):c.3326A>T (p.Asn1109Ile)

Gene: WNK1 (WNK lysine deficient protein kinase 1; plus strand). Cytogenetic location: 12p13.33.
Variant type: single nucleotide variant.
Coding change: c.3326A>T on transcript NM_213655.5 (MANE Plus Clinical); coding-DNA position 3326, A replaced by T.
Protein change: p.Asn1109Ile; replaces asparagine 1109 with isoleucine.
Molecular consequence: missense variant. On other transcripts: intron variant (2).
Genome position (GRCh38, 1-based): chr12:868,797, A>T. VCF-style: chr12-868797-A-T. GRCh37 (hg19) VCF-style: chr12-977963-A-T.
Other names: c.3071A>T, p.Asn1024Ile (NM_001184985.2); c.2140-2468A>T (NM_018979.4, NM_014823.3); short protein forms N1109I, N1024I.
Identifiers: ClinVar variation 2950917 (VCV002950917.3), dbSNP rs1318928413, ClinGen allele CA383341865.
Genomic context (GRCh38, chr12:868,797, plus strand): 5'-TGCCTCCTCAATCAGTTGGATTACATGGCTACTTGCAGCCTGTGACTGAAGAAAAGCATA[A>T]TTACCATGCCCCAGAATTGACCGTTTCTGTGGTAGAGCCTATCGGACAGAACTGGCCAAT-3'
Protein context (NP_998820.3, residues 1099-1119): YLQPVTEEKH[Asn1109Ile]YHAPELTVSV